The following is an entry in ClinVar:

NM_033380.3(COL4A5):c.3536G>T (p.Gly1179Val)

Gene: COL4A5 (collagen type IV alpha 5 chain; plus strand). Cytogenetic location: Xq22.3.
Variant type: single nucleotide variant.
Coding change: c.3536G>T on transcript NM_033380.3 (MANE Select); coding-DNA position 3536, G replaced by T.
Protein change: p.Gly1179Val; replaces glycine 1179 with valine.
Molecular consequence: missense variant.
Genome position (GRCh38, 1-based): chrX:108,666,577, G>T. VCF-style: chrX-108666577-G-T. GRCh37 (hg19) VCF-style: chrX-107909807-G-T.
Other names: c.3536G>T, p.Gly1179Val (NM_000495.5); short protein forms G1179V.
Identifiers: ClinVar variation 1493509 (VCV001493509.6), dbSNP rs2147955255, ClinGen allele CA413847860.

ClinVar aggregate classification (germline): Likely pathogenic (1 of 4 stars; one submission).

Submission:

Labcorp Genetics (formerly Invitae), Labcorp
Classification: Likely pathogenic. Last evaluated: 2021-07-29. Review status: criteria provided, single submitter. Criteria: Invitae Variant Classification Sherloc (09022015). Collection method: clinical testing. Allele origin: germline.
Comment: In summary, the currently available evidence indicates that the variant is pathogenic, but additional data are needed to prove that conclusively. Therefore, this variant has been classified as Likely Pathogenic. This variant disrupts the triple helix domain of COL4A5. Glycine residues within the Gly-Xaa-Yaa repeats of the triple helix domain are required for the structure and stability of fibrillar collagens (PMID: 7695699, 8218237, 19344236). In COL4A5, missense variants at these glycine residues are significantly enriched in individuals with disease (PMID: 23720012, 27627812) compared to the general population (ExAC). Advanced modeling of protein sequence and biophysical properties (such as structural, functional, and spatial information, amino acid conservation, physicochemical variation, residue mobility, and thermodynamic stability) performed at Invitae indicates that this missense variant is expected to disrupt COL4A5 protein function. This variant has not been reported in the literature in individuals affected with COL4A5-related conditions. This variant is not present in population databases (ExAC no frequency). This sequence change replaces glycine with valine at codon 1179 of the COL4A5 protein (p.Gly1179Val). The glycine residue is highly conserved and there is a moderate physicochemical difference between glycine and valine.

Literature cited by the submitters: PubMed 7695699; PubMed 8218237; PubMed 19344236; PubMed 23720012; PubMed 27627812.